The following is an entry in ClinVar:

NM_033337.3(CAV3):c.230C>T (p.Ser77Phe)

Genes: OXTR (oxytocin receptor; minus strand), CAV3 (caveolin 3; plus strand). Cytogenetic location: 3p25.3.
Variant type: single nucleotide variant.
Coding change: c.230C>T on transcript NM_033337.3 (MANE Select); coding-DNA position 230, C replaced by T.
Protein change: p.Ser77Phe; replaces serine 77 with phenylalanine.
Molecular consequence: missense variant.
Genome position (GRCh38, 1-based): chr3:8,745,641, C>T. VCF-style: chr3-8745641-C-T. GRCh37 (hg19) VCF-style: chr3-8787327-C-T.
Other names: c.230C>T, p.Ser77Phe (NM_001234.5); short protein forms S77F.
Identifiers: ClinVar variation 642824 (VCV000642824.8), dbSNP rs1575477670, ClinGen allele CA351663343.

ClinVar aggregate classification (germline): Uncertain significance. Review status: criteria provided, multiple submitters, no conflicts (2 of 4 stars). 2 submissions from 2 submitters: Uncertain significance (2). Last evaluated 2025-02-25.

Conditions:
Long QT syndrome (LQTS). Identifiers: MedGen C0023976, MeSH D008133, MONDO:0002442. Disease mechanism: loss of function. Inheritance: Various modes of inheritance.

Submissions (2):

Revvity Omics, Revvity
Classification: Uncertain significance. Last evaluated: 2025-02-25. Review status: criteria provided, single submitter. Criteria: ACMG Guidelines, 2015. Collection method: clinical testing. Allele origin: germline.

Labcorp Genetics (formerly Invitae), Labcorp
Classification: Uncertain significance for Long QT syndrome. Last evaluated: 2025-02-23. Review status: criteria provided, single submitter. Criteria: Invitae Variant Classification Sherloc (09022015). Collection method: clinical testing. Allele origin: germline.
Comment: This sequence change replaces serine, which is neutral and polar, with phenylalanine, which is neutral and non-polar, at codon 77 of the CAV3 protein (p.Ser77Phe). This variant is not present in population databases (gnomAD no frequency). This missense change has been observed in individual(s) with CAV3-related conditions (PMID: 36575883). ClinVar contains an entry for this variant (Variation ID: 642824). An algorithm developed to predict the effect of missense changes on protein structure and function (PolyPhen-2) suggests that this variant is likely to be disruptive. In summary, the available evidence is currently insufficient to determine the role of this variant in disease. Therefore, it has been classified as a Variant of Uncertain Significance.

Literature cited by the submitters: PubMed 36575883 (cited by Labcorp Genetics (formerly Invitae), Labcorp).